The following is an entry in ClinVar:

ClinVar aggregate classification (germline): Likely pathogenic (1 of 4 stars; one submission).

Submission:

GeneDx
Classification: Likely pathogenic. Last evaluated: 2018-11-19. Review status: criteria provided, single submitter. Criteria: GeneDx Variant Classification (06012015). Collection method: clinical testing. Allele origin: germline. Affected: yes.
Comment: A variant that is likely pathogenic has been identified in the PPM1D gene. The c.1188_1191delTGAC variant in the PPM1D gene has been reported previously as a de novo variant in a child with mild to moderate intellectual disability, feeding difficulties, sensitivity to sound, and a high pain threshold (Jansen et al., 2017). This frameshift variant in the C-terminus predicted to result in protein truncation, as the last 209 amino acids are lost and replaced with 10 incorrect amino acids. The c.1188_1191delTGAC variant is not observed in large population cohorts (Lek et al., 2016). Therefore, this variant is likely pathogenic; however, the possibility that it is benign cannot be excluded.

NM_003620.4(PPM1D):c.1188_1191del (p.Asp397fs)

Gene: PPM1D (protein phosphatase, Mg2+/Mn2+ dependent 1D; plus strand). Cytogenetic location: 17q23.2.
Variant type: Microsatellite.
Coding change: c.1188_1191del on transcript NM_003620.4 (MANE Select); coding-DNA positions 1188 to 1191, 4 bases deleted (TGAC; older notation c.1188_1191delTGAC).
Protein change: p.Asp397fs; shifts the reading frame from aspartic acid 397.
Molecular consequence: frameshift variant.
Genome position (GRCh38, 1-based): chr17:60,656,769-60,656,772, TGAC deleted; deleting any 4 consecutive bases within chr17:60,656,764-60,656,772 gives the same sequence; the c. name uses the placement nearest the transcript's 3' end. VCF-style (leftmost placement, unchanged base first): chr17-60656763-CCTGA-C. GRCh37 (hg19) VCF-style: chr17-58734124-CCTGA-C.
Other names: short protein forms D397fs.
Identifiers: ClinVar variation 817665 (VCV000817665.1), dbSNP rs1598413522, ClinGen allele CA658781853.